The following is an entry in ClinVar:

ClinVar aggregate classification (germline): Conflicting classifications of pathogenicity. Review status: criteria provided, conflicting classifications (1 of 4 stars). 6 submissions from 6 submitters: Uncertain significance (2); Likely benign (4). Last evaluated 2026-01-24.

Conditions:
SLC12A3-related disorder. Also called: SLC12A3-related condition.
Familial hypokalemia-hypomagnesemia (GTLMNS). Also called: HYPOMAGNESEMIA-HYPOKALEMIA, PRIMARY RENOTUBULAR, WITH HYPOCALCIURIA; POTASSIUM AND MAGNESIUM DEPLETION; gitelman syndrome. Identifiers: Orphanet 358, MedGen C0268450, MONDO:0009904, OMIM 263800.

Allele frequency attached by ClinVar (database versions not stated): TOPMed 0.00018; ESP Exome Variant Server 0.00038; 1000 Genomes Project 0.00060; 1000 Genomes Project 30x 0.00062.
gnomAD v4.1: 406 of 1,611,986 alleles (0.025%); highest among the groups gnomAD compares: Non-Finnish European, 0.032%; 1 homozygote.

Submissions (6):

Labcorp Genetics (formerly Invitae), Labcorp
Classification: Likely benign. Last evaluated: 2026-01-24. Review status: criteria provided, single submitter. Criteria: Invitae Variant Classification Sherloc (09022015). Collection method: clinical testing. Allele origin: germline.

PreventionGenetics, part of Exact Sciences
Classification: Likely benign for SLC12A3-related condition. Last evaluated: 2026-01-16. Review status: criteria provided, single submitter. Criteria: ACMG Guidelines, 2015. Collection method: clinical testing. Allele origin: germline.
Comment: This variant is classified as likely benign based on ACMG/AMP sequence variant interpretation guidelines (Richards et al. 2015 PMID: 25741868, with internal and published modifications).

Blueprint Genetics
Classification: Likely benign. Last evaluated: 2024-11-19. Review status: criteria provided, single submitter. Criteria: ACMG Guidelines, 2015. Collection method: clinical testing. Allele origin: germline.

CeGaT Center for Human Genetics Tuebingen
Classification: Uncertain significance. Last evaluated: 2024-10-01. Review status: criteria provided, single submitter. Criteria: CeGaT Center For Human Genetics Tuebingen Variant Classification Criteria Version 2. Collection method: clinical testing. Allele origin: germline. Affected: yes. Observed: 1 variant allele.
Comment: SLC12A3: PM2, BP4

Genome-Nilou Lab
Classification: Likely benign for Familial hypokalemia-hypomagnesemia. Last evaluated: 2021-07-15. Review status: criteria provided, single submitter. Criteria: ACMG Guidelines, 2015. Collection method: clinical testing. Allele origin: germline. Affected: no.

Illumina Laboratory Services, Illumina
Classification: Uncertain significance for Familial hypokalemia-hypomagnesemia. Last evaluated: 2018-01-13. Review status: criteria provided, single submitter. Criteria: ICSL Variant Classification Criteria 13 December 2019. Collection method: clinical testing. Allele origin: germline.

NM_001126108.2(SLC12A3):c.741+8C>T

Gene: SLC12A3 (solute carrier family 12 member 3; plus strand). Cytogenetic location: 16q13.
Variant type: single nucleotide variant.
Coding change: c.741+8C>T on transcript NM_001126108.2 (MANE Select); 8 bases into the intron after coding-DNA position 741, C replaced by T.
Molecular consequence: intron variant.
Genome position (GRCh38, 1-based): chr16:56,870,243, C>T. VCF-style: chr16-56870243-C-T. GRCh37 (hg19) VCF-style: chr16-56904155-C-T.
Other names: c.741+8C>T (NM_000339.3); c.738+8C>T (NM_001126107.2).
Identifiers: ClinVar variation 319893 (VCV000319893.32), dbSNP rs200257610, ClinGen allele CA8069167.
Genomic context (GRCh38, chr16:56,870,243, plus strand): 5'-GTGTGGCCATGCACACGGTGGGCTTTGCAGAGACCGTGCGGGACCTGCTCCAGGTGAGGC[C>T]GGGGGGCTGGACCCTGGGTAGAGGGATCCGGGCAGCCCATTGCACTCTCCTCCGCCCCAT-3'